The following is an entry in ClinVar:

NM_000733.4(CD3E):c.323C>A (p.Ala108Glu)

Gene: CD3E (CD3 epsilon subunit of T-cell receptor complex; plus strand). Cytogenetic location: 11q23.3.
Variant type: single nucleotide variant.
Coding change: c.323C>A on transcript NM_000733.4 (MANE Select); coding-DNA position 323, C replaced by A.
Protein change: p.Ala108Glu; replaces alanine 108 with glutamic acid.
Molecular consequence: missense variant.
Genome position (GRCh38, 1-based): chr11:118,312,837, C>A. VCF-style: chr11-118312837-C-A. GRCh37 (hg19) VCF-style: chr11-118183552-C-A.
Other names: short protein forms A108E.
Identifiers: ClinVar variation 1389596 (VCV001389596.5), dbSNP rs35299792, ClinGen allele CA6301655.

ClinVar aggregate classification (germline): Uncertain significance (1 of 4 stars; one submission).

Conditions:
Immunodeficiency 18 (IMD18). Also called: CD3-EPSILON DEFICIENCY; CD3epsilon deficiency. Identifiers: MedGen C3810127, MONDO:0014278, OMIM 615615.

gnomAD v4.1: 4 of 1,614,098 alleles (0.00025%); highest among the groups gnomAD compares: Admixed American, 0.005%; no homozygotes.

Submission:

Labcorp Genetics (formerly Invitae), Labcorp
Classification: Uncertain significance for Immunodeficiency 18. Last evaluated: 2021-09-24. Review status: criteria provided, single submitter. Criteria: Invitae Variant Classification Sherloc (09022015). Collection method: clinical testing. Allele origin: germline.
Comment: This sequence change replaces alanine with glutamic acid at codon 108 of the CD3E protein (p.Ala108Glu). The alanine residue is weakly conserved and there is a moderate physicochemical difference between alanine and glutamic acid. This variant is present in population databases (rs35299792, ExAC 0.009%). This variant has not been reported in the literature in individuals with CD3E-related conditions. Algorithms developed to predict the effect of missense changes on protein structure and function are either unavailable or do not agree on the potential impact of this missense change (SIFT: "Tolerated"; PolyPhen-2: "Probably Damaging"; Align-GVGD: "Class C0"). In summary, the available evidence is currently insufficient to determine the role of this variant in disease. Therefore, it has been classified as a Variant of Uncertain Significance.